The following is an entry in ClinVar:

ClinVar aggregate classification (germline): Uncertain significance. Review status: criteria provided, single submitter (1 of 4 stars). 2 submissions from 2 submitters: Uncertain significance (1). 1 of the submissions does not count toward it. Last evaluated 2024-10-07.

Conditions:
Hereditary spastic paraplegia 49 (HSAN9). Also called: Spastic paraplegia 49, autosomal recessive; NEUROPATHY, HEREDITARY SENSORY AND AUTONOMIC, TYPE IX, WITH DEVELOPMENTAL DELAY; TECPR2-Related Hereditary Sensory and Autonomic Neuropathy with Intellectual Disability. Identifiers: Orphanet 320385, MedGen C5190860, MONDO:0014016, OMIM 615031.

Allele frequency attached by ClinVar (database versions not stated): gnomAD 0.00004 and 0.00005; ExAC 0.00005; gnomAD exomes 0.00007; TOPMed 0.00007; ESP Exome Variant Server 0.00008; 1000 Genomes Project 30x 0.00031; 1000 Genomes Project 0.00040.
gnomAD v4.1: 81 of 1,607,860 alleles (0.005%); highest among the groups gnomAD compares: Admixed American, 0.017%; no homozygotes.

Submissions (2):

Labcorp Genetics (formerly Invitae), Labcorp
Classification: Uncertain significance for Hereditary spastic paraplegia 49. Last evaluated: 2024-10-07. Review status: criteria provided, single submitter. Criteria: Invitae Variant Classification Sherloc (09022015). Collection method: clinical testing. Allele origin: germline.
Comment: This sequence change replaces alanine, which is neutral and non-polar, with threonine, which is neutral and polar, at codon 1397 of the TECPR2 protein (p.Ala1397Thr). This variant is present in population databases (rs376123886, gnomAD 0.02%). This missense change has been observed in individual(s) with hereditary spastic paraplegia (PMID: 35130874). ClinVar contains an entry for this variant (Variation ID: 646985). An algorithm developed to predict the effect of missense changes on protein structure and function outputs the following: PolyPhen-2: "Benign". The threonine amino acid residue is found in multiple mammalian species, which suggests that this missense change does not adversely affect protein function. In summary, the available evidence is currently insufficient to determine the role of this variant in disease. Therefore, it has been classified as a Variant of Uncertain Significance.

Natera, Inc.
Classification: Uncertain significance for Autosomal recessive spastic paraplegia type 49. Last evaluated: 2020-03-11. Review status: no assertion criteria provided. Collection method: clinical testing. Allele origin: germline. Not counted in ClinVar's aggregate classification.

Literature cited by the submitters: PubMed 35130874 (cited by Labcorp Genetics (formerly Invitae), Labcorp).

NM_014844.5(TECPR2):c.4189G>A (p.Ala1397Thr)

Gene: TECPR2 (tectonin beta-propeller repeat containing 2; plus strand). Cytogenetic location: 14q32.31.
Variant type: single nucleotide variant.
Coding change: c.4189G>A on transcript NM_014844.5 (MANE Select); coding-DNA position 4189, G replaced by A.
Protein change: p.Ala1397Thr; replaces alanine 1397 with threonine.
Molecular consequence: missense variant.
Genome position (GRCh38, 1-based): chr14:102,498,210, G>A. VCF-style: chr14-102498210-G-A. GRCh37 (hg19) VCF-style: chr14-102964547-G-A.
Other names: short protein forms A1397T.
Identifiers: ClinVar variation 646985 (VCV000646985.7), dbSNP rs376123886, ClinGen allele CA7358493.